The following is an entry in ClinVar:

NM_001365951.3(KIF1B):c.4102T>A (p.Ser1368Thr)

Gene: KIF1B (kinesin family member 1B; plus strand). Cytogenetic location: 1p36.22.
Variant type: single nucleotide variant.
Coding change: c.4102T>A on transcript NM_001365951.3 (MANE Select); coding-DNA position 4102, T replaced by A.
Protein change: p.Ser1368Thr; replaces serine 1368 with threonine.
Molecular consequence: missense variant.
Genome position (GRCh38, 1-based): chr1:10,360,975, T>A. VCF-style: chr1-10360975-T-A. GRCh37 (hg19) VCF-style: chr1-10421033-T-A.
Other names: c.4102T>A, p.Ser1368Thr (NM_001365952.1); c.3964T>A, p.Ser1322Thr (NM_015074.3); short protein forms S1322T, S1368T.
Identifiers: ClinVar variation 3288469 (VCV003288469.1).

ClinVar aggregate classification (germline): Uncertain significance (1 of 4 stars; one submission).

Submission:

Ambry Genetics
Classification: Uncertain significance. Last evaluated: 2024-05-29. Review status: criteria provided, single submitter. Criteria: Ambry Variant Classification Scheme 2023. Collection method: clinical testing. Allele origin: germline.
Comment: The p.S1322T variant (also known as c.3964T>A), located in coding exon 36 of the KIF1B gene, results from a T to A substitution at nucleotide position 3964. The serine at codon 1322 is replaced by threonine, an amino acid with similar properties. This amino acid position is conserved. In addition, this alteration is predicted to be deleterious by in silico analysis. Based on the available evidence, the clinical significance of this variant remains unclear.